The following is an entry in ClinVar:

ClinVar aggregate classification (germline): Benign/Likely benign. Review status: criteria provided, multiple submitters, no conflicts (2 of 4 stars). 2 submissions from 2 submitters: Benign (1); Likely benign (1). Last evaluated 2026-09-01.

Allele frequency attached by ClinVar (database versions not stated): 1000 Genomes Project 30x 0.00203; 1000 Genomes Project 0.00220; gnomAD 0.00603; TOPMed 0.00669; ExAC 0.00682; ESP Exome Variant Server 0.00692; gnomAD exomes 0.00737.

Submissions (2):

CeGaT Center for Human Genetics Tuebingen
Classification: Likely benign. Last evaluated: 2026-09-01. Review status: criteria provided, single submitter. Criteria: CeGaT Center For Human Genetics Tuebingen Variant Classification Criteria Version 2. Collection method: clinical testing. Allele origin: germline. Affected: yes. Observed: 24 variant alleles.
Comment: WARS1: BS2

Mayo Clinic Laboratories, Mayo Clinic
Classification: Benign. Last evaluated: 2023-02-21. Review status: criteria provided, single submitter. Criteria: ACMG Guidelines, 2015. Collection method: clinical testing. Allele origin: germline. Observed: 17 variant alleles.
Comment: BS1, BS2, BP4, BP7

NM_004184.4(WARS1):c.1113+9T>C

Gene: WARS1 (tryptophanyl-tRNA synthetase 1; minus strand). Cytogenetic location: 14q32.2.
Variant type: single nucleotide variant.
Coding change: c.1113+9T>C on transcript NM_004184.4 (MANE Select); 9 bases into the intron after coding-DNA position 1113, T replaced by C.
Molecular consequence: intron variant.
Genome position (GRCh38, 1-based): chr14:100,342,389, A>G on the plus strand (T>C on the coding strand, the complement: WARS1 is on the minus strand). VCF-style: chr14-100342389-A-G. GRCh37 (hg19) VCF-style: chr14-100808726-A-G.
Other names: p.?; c.990+9T>C (NM_213645.2, NM_213646.2); c.1113+9T>C (NM_173701.2).
Identifiers: ClinVar variation 2644530 (VCV002644530.25), dbSNP rs149903755, ClinGen allele CA7345123.
Genomic context (GRCh38, chr14:100,342,389, plus strand): 5'-TGTGTGCGTGTGCCCCCCAGGGCATGTTTCTGATCCCGCTGGCTGCCCTCTGCCTGGGCC[A>G]CTGCTCACCTTGGTTTTGATCTGCTTGGCCGTGTCGGTGAGGAAGATGGAGGAGTTGGGG-3'